The following is an entry in ClinVar:

ClinVar aggregate classification (germline): Conflicting classifications of pathogenicity. Review status: criteria provided, conflicting classifications (1 of 4 stars). 2 submissions from 2 submitters: Uncertain significance (1); Likely benign (1). Last evaluated 2023-12-01.

Conditions:
DNA ligase IV deficiency. Identifiers: Orphanet 99812, MedGen C1847827, MONDO:0011686, OMIM 606593.

Allele frequency attached by ClinVar (database versions not stated): ExAC 0.00001; gnomAD exomes 0.00001; TOPMed 0.00001; gnomAD 0.00003; 1000 Genomes Project 30x 0.00031; 1000 Genomes Project 0.00040.
gnomAD v4.1: 14 of 1,612,742 alleles (0.00087%); highest among the groups gnomAD compares: Middle Eastern, 0.017%; no homozygotes.

Submissions (2):

Blueprint Genetics
Classification: Likely benign. Last evaluated: 2023-12-01. Review status: criteria provided, single submitter. Criteria: ACMG Guidelines, 2015. Collection method: clinical testing. Allele origin: germline.

Labcorp Genetics (formerly Invitae), Labcorp
Classification: Uncertain significance for DNA ligase IV deficiency. Last evaluated: 2022-08-23. Review status: criteria provided, single submitter. Criteria: Invitae Variant Classification Sherloc (09022015). Collection method: clinical testing. Allele origin: germline.
Comment: This sequence change replaces asparagine, which is neutral and polar, with serine, which is neutral and polar, at codon 98 of the LIG4 protein (p.Asn98Ser). This variant is present in population databases (rs143897303, gnomAD 0.01%). This variant has not been reported in the literature in individuals affected with LIG4-related conditions. ClinVar contains an entry for this variant (Variation ID: 854066). Algorithms developed to predict the effect of missense changes on protein structure and function (SIFT, PolyPhen-2, Align-GVGD) all suggest that this variant is likely to be tolerated. In summary, the available evidence is currently insufficient to determine the role of this variant in disease. Therefore, it has been classified as a Variant of Uncertain Significance.

NM_206937.2(LIG4):c.293A>G (p.Asn98Ser)

Gene: LIG4 (DNA ligase 4; minus strand). Cytogenetic location: 13q33.3.
Variant type: single nucleotide variant.
Coding change: c.293A>G on transcript NM_206937.2 (MANE Select); coding-DNA position 293, A replaced by G.
Protein change: p.Asn98Ser; replaces asparagine 98 with serine.
Molecular consequence: missense variant.
Genome position (GRCh38, 1-based): chr13:108,210,976, T>C on the plus strand (A>G on the coding strand, the complement: LIG4 is on the minus strand). VCF-style: chr13-108210976-T-C. GRCh37 (hg19) VCF-style: chr13-108863324-T-C.
Other names: c.293A>G, p.Asn98Ser (NM_001098268.2, NM_001352598.2, NM_001352599.2 and 6 more transcripts); c.92A>G, p.Asn31Ser (NM_001330595.2); c.329A>G, p.Asn110Ser (NM_001352604.2); short protein forms N31S, N98S, N110S.
Identifiers: ClinVar variation 854066 (VCV000854066.8), dbSNP rs143897303, ClinGen allele CA7043862.